The following is an entry in ClinVar:

ClinVar aggregate classification (germline): Uncertain significance. Review status: criteria provided, single submitter (1 of 4 stars). 2 submissions from 2 submitters: Uncertain significance (1). 1 of the submissions does not count toward it. Last evaluated 2022-04-11.

Conditions:
Alstrom syndrome (ALMS). Identifiers: Orphanet 64, MedGen C0268425, MONDO:0008763, OMIM 203800.

Submissions (2):

Labcorp Genetics (formerly Invitae), Labcorp
Classification: Uncertain significance for Alstrom syndrome. Last evaluated: 2022-04-11. Review status: criteria provided, single submitter. Criteria: Invitae Variant Classification Sherloc (09022015). Collection method: clinical testing. Allele origin: germline.
Comment: Experimental studies and prediction algorithms are not available or were not evaluated, and the functional significance of this variant is currently unknown. In summary, the available evidence is currently insufficient to determine the role of this variant in disease. Therefore, it has been classified as a Variant of Uncertain Significance. ClinVar contains an entry for this variant (Variation ID: 556472). This variant has not been reported in the literature in individuals affected with ALMS1-related conditions. This variant is not present in population databases (gnomAD no frequency). This variant, c.67_68insTGG, results in the insertion of 1 amino acid(s) of the ALMS1 protein (p.Glu22_Glu23insVal), but otherwise preserves the integrity of the reading frame.

Counsyl
Classification: Uncertain significance for Alstrom syndrome. Last evaluated: 2018-02-06. Review status: no assertion criteria provided. Collection method: clinical testing. Allele origin: unknown. Not counted in ClinVar's aggregate classification.

NM_001378454.1(ALMS1):c.64_65insTGG (p.Glu21_Glu22insVal)

Gene: ALMS1 (ALMS1 centrosome and basal body associated protein; plus strand). Cytogenetic location: 2p13.1.
Variant type: Insertion.
Coding change: c.64_65insTGG on transcript NM_001378454.1 (MANE Select); coding-DNA positions 64 to 65, TGG inserted.
Protein change: p.Glu21_Glu22insVal.
Molecular consequence: inframe insertion.
Genome position: GRCh38 VCF-style: chr2-73385930-A-AGGT. GRCh37 (hg19) VCF-style: chr2-73613058-A-AGGT.
Other names: c.67_68insTGG, p.Glu22_Glu23insVal (NM_015120.4).
Identifiers: ClinVar variation 556472 (VCV000556472.6), dbSNP rs1553396144, ClinGen allele CA658822796.